The following is an entry in ClinVar:

NM_004655.4(AXIN2):c.2375A>T (p.Lys792Ile)

Gene: AXIN2 (axin 2; minus strand). Cytogenetic location: 17q24.1.
Variant type: single nucleotide variant.
Coding change: c.2375A>T on transcript NM_004655.4 (MANE Select); coding-DNA position 2375, A replaced by T.
Protein change: p.Lys792Ile; replaces lysine 792 with isoleucine.
Molecular consequence: missense variant.
Genome position (GRCh38, 1-based): chr17:65,533,942, T>A on the plus strand (A>T on the coding strand, the complement: AXIN2 is on the minus strand). VCF-style: chr17-65533942-T-A. GRCh37 (hg19) VCF-style: chr17-63530060-T-A.
Other names: c.2180A>T, p.Lys727Ile (NM_001363813.1); short protein forms K727I, K792I.
Identifiers: ClinVar variation 1058246 (VCV001058246.9), dbSNP rs2144418463, ClinGen allele CA400675383.

ClinVar aggregate classification (germline): Uncertain significance (1 of 4 stars; one submission).

Conditions:
Oligodontia-cancer predisposition syndrome. Also called: TOOTH AGENESIS-COLORECTAL CANCER SYNDROME. Identifiers: Orphanet 300576, MedGen C1837750, MONDO:0012075, OMIM 608615. Disease mechanism: loss of function.

Submission:

Labcorp Genetics (formerly Invitae), Labcorp
Classification: Uncertain significance for Oligodontia-cancer predisposition syndrome. Last evaluated: 2020-09-16. Review status: criteria provided, single submitter. Criteria: Invitae Variant Classification Sherloc (09022015). Collection method: clinical testing. Allele origin: germline.
Comment: This sequence change replaces lysine with isoleucine at codon 792 of the AXIN2 protein (p.Lys792Ile). The lysine residue is highly conserved and there is a moderate physicochemical difference between lysine and isoleucine. This variant is not present in population databases (ExAC no frequency). This variant has not been reported in the literature in individuals with AXIN2-related conditions. Algorithms developed to predict the effect of missense changes on protein structure and function are either unavailable or do not agree on the potential impact of this missense change (SIFT: "Deleterious"; PolyPhen-2: "Probably Damaging"; Align-GVGD: "Class C0"). In summary, the available evidence is currently insufficient to determine the role of this variant in disease. Therefore, it has been classified as a Variant of Uncertain Significance.